The following is an entry in ClinVar:

NM_001366385.1(CARD14):c.2786AGA[1] (p.Lys930del)

Genes: SGSH (N-sulfoglucosamine sulfohydrolase; minus strand), CARD14 (caspase recruitment domain family member 14; plus strand). Cytogenetic location: 17q25.3.
Variant type: Microsatellite.
Coding change: c.2786AGA[1] on transcript NM_001366385.1 (MANE Select); one copy of the 3-base unit AGA starting at c.2786; the reference has two copies in a row; one copy, 3 bases deleted.
Protein change: p.Lys930del; deletes lysine 930.
Molecular consequence: inframe deletion. On other transcripts: non-coding transcript variant (1).
Genome position (GRCh38, 1-based): chr17:80,207,067-80,207,069, AGA deleted; deleting any 3 consecutive bases within chr17:80,207,064-80,207,069 gives the same sequence; the position shown is the placement nearest the transcript's 3' end. VCF-style (leftmost placement, unchanged base first): chr17-80207063-GAGA-G. GRCh37 (hg19) VCF-style: chr17-78180862-GAGA-G.
Other names: c.2786AGA[1], p.Lys930del (NM_024110.4); c.2789_2791delAGA (NM_024110.4); short protein forms K930del.
Identifiers: ClinVar variation 572300 (VCV000572300.10), dbSNP rs1474412398, ClinGen allele CA627722686.

ClinVar aggregate classification (germline): Uncertain significance (1 of 4 stars; one submission).

Conditions:
Psoriasis 2. Identifiers: MedGen C1864497, MONDO:0011269, OMIM 602723.
Pityriasis rubra pilaris (PRP). Also called: Pityriasis rubra pilaris--familial type. Identifiers: Orphanet 2897, MedGen C0032027, MONDO:0100017, OMIM 173200, MONDO:0008251.

Submission:

Labcorp Genetics (formerly Invitae), Labcorp
Classification: Uncertain significance for Pityriasis rubra pilaris; Psoriasis 2. Last evaluated: 2018-10-11. Review status: criteria provided, single submitter. Criteria: Invitae Variant Classification Sherloc (09022015). Collection method: clinical testing. Allele origin: germline.
Comment: This variant, c.2789_2791delAGA, results in the deletion of 1 amino acid of the CARD14 protein (p.Lys930del), but otherwise preserves the integrity of the reading frame. This variant is not present in population databases (ExAC no frequency). This variant has not been reported in the literature in individuals with CARD14-related disease. Experimental studies and prediction algorithms are not available for this variant, and the functional significance of the deleted amino acid is currently unknown. In summary, the available evidence is currently insufficient to determine the role of this variant in disease. Therefore, it has been classified as a Variant of Uncertain Significance.